The following is an entry in ClinVar:

ClinVar aggregate classification (germline): Uncertain significance. Review status: criteria provided, multiple submitters, no conflicts (2 of 4 stars). 3 submissions from 3 submitters: Uncertain significance (3). Last evaluated 2023-12-24.

Conditions:
Dilated cardiomyopathy 1C (CMD1C). Also called: Cardiomyopathy, dilated, 1C, with or without LVNC; CARDIOMYOPATHY, DILATED, 1C, WITH OR WITHOUT LEFT VENTRICULAR NONCOMPACTION. Identifiers: Orphanet 154, Orphanet 54260, MedGen C1832244, MONDO:0011094, OMIM 601493.
Myofibrillar myopathy 4. Also called: Zaspopathy (type). Identifiers: Orphanet 98912, MedGen C4721886, MONDO:0012277, OMIM 609452.

Allele frequency attached by ClinVar (database versions not stated): gnomAD exomes below 0.00001.
gnomAD v4.1: 1 of 1,614,176 alleles (0.000062%); highest among the groups gnomAD compares: Admixed American, 0.0017%; no homozygotes.

Submissions (3):

Labcorp Genetics (formerly Invitae), Labcorp
Classification: Uncertain significance for Myofibrillar myopathy 4. Last evaluated: 2023-12-24. Review status: criteria provided, single submitter. Criteria: Invitae Variant Classification Sherloc (09022015). Collection method: clinical testing. Allele origin: germline.
Comment: This sequence change replaces asparagine, which is neutral and polar, with histidine, which is basic and polar, at codon 222 of the LDB3 protein (p.Asn222His). This variant is present in population databases (no rsID available, gnomAD 0.003%). This variant has not been reported in the literature in individuals affected with LDB3-related conditions. ClinVar contains an entry for this variant (Variation ID: 450281). An algorithm developed to predict the effect of missense changes on protein structure and function (PolyPhen-2) suggests that this variant is likely to be tolerated. In summary, the available evidence is currently insufficient to determine the role of this variant in disease. Therefore, it has been classified as a Variant of Uncertain Significance.

Baylor Genetics
Classification: Uncertain significance for Dilated cardiomyopathy 1C. Last evaluated: 2019-07-03. Review status: criteria provided, single submitter. Criteria: ACMG Guidelines, 2015. Collection method: clinical testing. Allele origin: paternal. Affected: yes.
Comment: This variant was determined to be of uncertain significance according to ACMG Guidelines, 2015 [PMID:25741868].

GeneDx
Classification: Uncertain significance. Last evaluated: 2017-07-05. Review status: criteria provided, single submitter. Criteria: GeneDx Variant Classification (06012015). Collection method: clinical testing. Allele origin: germline. Affected: yes.
Comment: The c.664 A>C variant has not been published as a pathogenic variant, nor has it been reported as a benign variant to our knowledge. The c.664 A>C variant is not observed in large population cohorts (Lek et al., 2016; 1000 Genomes Consortium et al., 2015; Exome Variant Server). Multiple in-silico splice prediction models predict that c.664 A>C creates or strengthens a cryptic splice acceptor site which may supplant the natural acceptor site and lead to abnormal gene splicing. However, in the absence of RNA/functional studies the actual effect of c.664 A>C on splicing in this individual is unknown. If c.664 A>C does not alter splicing, it will result in the N222H missense change. The N222H variant is a semi-conservative amino acid substitution, which may impact secondary protein structure as these residues differ in some properties. This substitution occurs at a position that is conserved in mammals. In silico analysis is inconsistent in its predictions as to whether or not the variant is damaging to the protein structure/function.

NM_007078.3(LDB3):c.805A>C (p.Asn269His)

Gene: LDB3 (LIM domain binding 3; plus strand). Cytogenetic location: 10q23.2.
Variant type: single nucleotide variant.
Coding change: c.805A>C on transcript NM_007078.3 (MANE Select); coding-DNA position 805, A replaced by C.
Protein change: p.Asn269His; replaces asparagine 269 with histidine.
Molecular consequence: missense variant.
Genome position (GRCh38, 1-based): chr10:86,692,011, A>C. VCF-style: chr10-86692011-A-C. GRCh37 (hg19) VCF-style: chr10-88451768-A-C.
Other names: c.664A>C, p.Asn222His (NM_001080114.2, NM_001080116.1, NM_001368066.1 and 2 more transcripts); c.805A>C, p.Asn269His (NM_001080115.2, NM_001368063.1, NM_001368064.1 and 1 more transcripts); c.1009A>C, p.Asn337His (NM_001171610.2, NM_001171611.2); short protein forms N222H, N269H, N337H.
Identifiers: ClinVar variation 450281 (VCV000450281.6), dbSNP rs1367297073, ClinGen allele CA377443250.